The following is an entry in ClinVar:

ClinVar aggregate classification (germline): Pathogenic. Review status: criteria provided, multiple submitters, no conflicts (2 of 4 stars). 3 submissions from 3 submitters: Pathogenic (3). Last evaluated 2025-06-25.

Conditions:
Ataxia-telangiectasia syndrome (AT). Also called: Cerebello-oculocutaneous telangiectasia; Immunodeficiency with ataxia telangiectasia; Ataxia-telangiectasia; LOUIS-BAR SYNDROME; Ataxia-telangiectasia, complementation group E; Ataxia telangiectasia (A-T). Identifiers: Orphanet 100, MedGen C0004135, MONDO:0008840, OMIM 208900.
Hereditary cancer-predisposing syndrome. Also called: Hereditary neoplastic syndrome; Tumor predisposition; Neoplastic Syndromes, Hereditary; Hereditary Cancer Syndrome. Identifiers: Orphanet 140162, MedGen C0027672, MeSH D009386, MONDO:0015356.
Familial cancer of breast. Also called: BREAST CANCER, FAMILIAL; Hereditary breast cancer; hereditary breast carcinoma. Identifiers: Orphanet 227535, MedGen C0346153, MONDO:0016419, OMIM 114480. Disease mechanism: loss of function.

Submissions (3):

Labcorp Genetics (formerly Invitae), Labcorp
Classification: Pathogenic for Ataxia-telangiectasia syndrome. Last evaluated: 2025-06-25. Review status: criteria provided, single submitter. Criteria: Invitae Variant Classification Sherloc (09022015). Collection method: clinical testing. Allele origin: germline.
Comment: This sequence change creates a premature translational stop signal (p.Asn1094*) in the ATM gene. It is expected to result in an absent or disrupted protein product. Loss-of-function variants in ATM are known to be pathogenic (PMID: 23807571, 25614872). This variant is not present in population databases (gnomAD no frequency). This variant has not been reported in the literature in individuals affected with ATM-related conditions. ClinVar contains an entry for this variant (Variation ID: 429071). For these reasons, this variant has been classified as Pathogenic.

Myriad Genetics, Inc.
Classification: Pathogenic for Familial cancer of breast. Last evaluated: 2024-01-19. Review status: criteria provided, single submitter. Criteria: Myriad Autosomal Dominant, Autosomal Recessive and X-Linked Classification Criteria (2023). Collection method: clinical testing. Allele origin: unknown.
Comment: This variant is considered pathogenic. This variant creates a termination codon and is predicted to result in premature protein truncation.

Ambry Genetics
Classification: Pathogenic for Hereditary cancer-predisposing syndrome. Last evaluated: 2019-08-23. Review status: criteria provided, single submitter. Criteria: Ambry Variant Classification Scheme 2023. Collection method: clinical testing. Allele origin: germline.
Comment: The c.3279_3280insT pathogenic mutation, located in coding exon 21 of the ATM gene, results from an insertion of one nucleotide at position 3279. This changes the amino acid from an Asparagine to a stop codon within coding exon 21 (p.N1094*). This alteration is expected to result in loss of function by premature protein truncation or nonsense-mediated mRNA decay. As such, this alteration is interpreted as a disease-causing mutation.

Literature cited by the submitters: PubMed 23807571 (cited by Labcorp Genetics (formerly Invitae), Labcorp); PubMed 25614872 (cited by Labcorp Genetics (formerly Invitae), Labcorp).

NM_000051.4(ATM):c.3279_3280insT (p.Asn1094Ter)

Gene: ATM (ATM serine/threonine kinase; plus strand). Cytogenetic location: 11q22.3.
Variant type: Insertion.
Coding change: c.3279_3280insT on transcript NM_000051.4 (MANE Select); coding-DNA positions 3279 to 3280, T inserted.
Protein change: p.Asn1094Ter; replaces asparagine 1094 with a stop codon.
Molecular consequence: nonsense.
Genome position: GRCh38 VCF-style: chr11-108272847-C-CT. GRCh37 (hg19) VCF-style: chr11-108143574-C-CT.
Other names: c.3279_3280insT, p.Asn1094Ter (NM_001351834.2); short protein forms N1094*.
Identifiers: ClinVar variation 429071 (VCV000429071.10), dbSNP rs1131691155, ClinGen allele CA645369500.